The following is an entry in ClinVar:

NM_001037.5(SCN1B):c.290G>A (p.Gly97Asp)

Gene: SCN1B (sodium voltage-gated channel beta subunit 1; plus strand). Cytogenetic location: 19q13.11.
Variant type: single nucleotide variant.
Coding change: c.290G>A on transcript NM_001037.5 (MANE Select); coding-DNA position 290, G replaced by A.
Protein change: p.Gly97Asp; replaces glycine 97 with aspartic acid.
Molecular consequence: missense variant.
Genome position (GRCh38, 1-based): chr19:35,033,581, G>A. VCF-style: chr19-35033581-G-A. GRCh37 (hg19) VCF-style: chr19-35524485-G-A.
Other names: c.191G>A, p.Gly64Asp (NM_001321605.2); c.290G>A, p.Gly97Asp (NM_199037.5); short protein forms G97D, G64D.
Identifiers: ClinVar variation 972035 (VCV000972035.9), dbSNP rs2064228310, ClinGen allele CA405328707.

ClinVar aggregate classification (germline): Uncertain significance (1 of 4 stars; one submission).

Conditions:
Brugada syndrome 5 (BRGDA5). Identifiers: Orphanet 130, Orphanet 871, MedGen C2748541, MONDO:0013015, OMIM 612838.

Allele frequency attached by ClinVar (database versions not stated): gnomAD exomes below 0.00001.
gnomAD v4.1: 1 of 1,614,034 alleles (0.000062%); highest among the groups gnomAD compares: Non-Finnish European, 0.000085%; no homozygotes.

Submission:

Labcorp Genetics (formerly Invitae), Labcorp
Classification: Uncertain significance for Brugada syndrome 5. Last evaluated: 2020-03-09. Review status: criteria provided, single submitter. Criteria: Invitae Variant Classification Sherloc (09022015). Collection method: clinical testing. Allele origin: germline.
Comment: In summary, the available evidence is currently insufficient to determine the role of this variant in disease. Therefore, it has been classified as a Variant of Uncertain Significance. Algorithms developed to predict the effect of missense changes on protein structure and function are either unavailable or do not agree on the potential impact of this missense change (SIFT: "Deleterious"; PolyPhen-2: "Possibly Damaging"; Align-GVGD: "Class C0"). This variant has not been reported in the literature in individuals with SCN1B-related conditions. This variant is not present in population databases (ExAC no frequency). This sequence change replaces glycine with aspartic acid at codon 97 of the SCN1B protein (p.Gly97Asp). The glycine residue is highly conserved and there is a moderate physicochemical difference between glycine and aspartic acid.